The following is an entry in ClinVar:

NM_001267550.2(TTN):c.35351G>A (p.Arg11784His)

Gene: TTN (titin; minus strand). Cytogenetic location: 2q31.2.
Variant type: single nucleotide variant.
Coding change: c.35351G>A on transcript NM_001267550.2 (MANE Select); coding-DNA position 35351, G replaced by A.
Protein change: p.Arg11784His; replaces arginine 11784 with histidine.
Molecular consequence: missense variant. On other transcripts: intron variant (3).
Genome position (GRCh38, 1-based): chr2:178,670,253, C>T on the plus strand (G>A on the coding strand, the complement: TTN is on the minus strand). VCF-style: chr2-178670253-C-T. GRCh37 (hg19) VCF-style: chr2-179534980-C-T.
Other names: c.34229G>A, p.Arg11410His (NM_001256850.1); c.31448G>A, p.Arg10483His (NM_133378.4); c.13283-27936G>A (NM_003319.4); c.13859-27936G>A (NM_133437.4); c.13658-27936G>A (NM_133432.3); short protein forms R10483H, R11410H, R11784H.
Identifiers: ClinVar variation 1284884 (VCV001284884.6), dbSNP rs756874306, ClinGen allele CA1997848.

ClinVar aggregate classification (germline): Uncertain significance. Review status: criteria provided, multiple submitters, no conflicts (2 of 4 stars). 5 submissions from 5 submitters: Uncertain significance (2). 3 of the submissions do not count toward it. Last evaluated 2023-08-31.

Conditions:
Dilated cardiomyopathy 1G (CMD1G). Identifiers: Orphanet 154, MedGen C1858763, MONDO:0011400, OMIM 604145.
Autosomal recessive limb-girdle muscular dystrophy type 2J (LGMDR10). Also called: Limb-girdle muscular dystrophy, type 2J; MUSCULAR DYSTROPHY, LIMB-GIRDLE, AUTOSOMAL RECESSIVE 10. Identifiers: Orphanet 140922, MedGen C1837342, MONDO:0012127, OMIM 608807.
Myopathy, myofibrillar, 9, with early respiratory failure (MFM9). Also called: EDSTROM MYOPATHY; MYOPATHY, PROXIMAL, WITH EARLY RESPIRATORY MUSCLE INVOLVEMENT; Hereditary myopathy with early respiratory failure; Myopathy, distal, with early respiratory failure, autosomal dominant. Identifiers: Orphanet 178464, Orphanet 34521, MedGen C1863599, MONDO:0011362, OMIM 603689.
Hypertrophic cardiomyopathy 9. Also called: Familial hypertrophic cardiomyopathy 9. Identifiers: MedGen C1861065, MONDO:0013412, OMIM 613765.
Early-onset myopathy with fatal cardiomyopathy (CMYO5). Also called: Salih Myopathy; CONGENITAL MYOPATHY 5 WITH CARDIOMYOPATHY. Identifiers: Orphanet 289377, MedGen C2673677, MONDO:0012714, OMIM 611705. Disease mechanism: loss of function.
Tibial muscular dystrophy (TMD). Also called: UDD MYOPATHY; Tibial muscular dystrophy, tardive; Udd Distal Myopathy – Tibial Muscular Dystrophy. Identifiers: Orphanet 609, MedGen C1838244, MONDO:0010870, OMIM 600334.

Allele frequency attached by ClinVar (database versions not stated): ExAC 0.00001; gnomAD 0.00002; gnomAD exomes 0.00001.
gnomAD v4.1: 15 of 1,494,056 alleles (0.001%); highest among the groups gnomAD compares: East Asian, 0.018%; no homozygotes.

Submissions (5):

GeneDx
Classification: Uncertain significance. Last evaluated: 2023-08-31. Review status: criteria provided, single submitter. Criteria: GeneDx Variant Classification Process June 2021. Collection method: clinical testing. Allele origin: germline.
Comment: Located in a region of TTN within the I-band in which the majority of loss of function variants are significantly associated with autosomal dominant titinopathies (Deo et al., 2016; Schafer et al., 2017); Not observed at significant frequency in large population cohorts (gnomAD); Missense variant in a gene in which most reported pathogenic variants are truncating/loss of function; Has not been previously published as pathogenic or benign to our knowledge; This variant is associated with the following publications: (PMID: 27625338, 27869827)

Fulgent Genetics
Classification: Uncertain significance for Tibial muscular dystrophy; Myopathy, myofibrillar, 9, with early respiratory failure; Dilated cardiomyopathy 1G; Autosomal recessive limb-girdle muscular dystrophy type 2J; Early-onset myopathy with fatal cardiomyopathy; Hypertrophic cardiomyopathy 9. Last evaluated: 2021-10-18. Review status: criteria provided, single submitter. Criteria: ACMG Guidelines, 2015. Collection method: clinical testing. Allele origin: unknown.

Clinical Genetics DNA and cytogenetics Diagnostics Lab, Erasmus MC, Erasmus Medical Center
Classification: Uncertain significance. Review status: no assertion criteria provided. Collection method: clinical testing. Allele origin: germline. Affected: yes. Study: VKGL Data-share Consensus. Not counted in ClinVar's aggregate classification.

Clinical Genetics, Academic Medical Center
Classification: Uncertain significance. Review status: no assertion criteria provided. Collection method: clinical testing. Allele origin: germline. Affected: yes. Study: VKGL Data-share Consensus. Not counted in ClinVar's aggregate classification.

Genome Diagnostics Laboratory, University Medical Center Utrecht
Classification: Uncertain significance. Review status: no assertion criteria provided. Collection method: clinical testing. Allele origin: germline. Affected: yes. Study: VKGL Data-share Consensus. Not counted in ClinVar's aggregate classification.